The following is an entry in ClinVar:

NM_006231.4(POLE):c.1361C>T (p.Thr454Ile)

Gene: POLE (DNA polymerase epsilon, catalytic subunit; minus strand). Cytogenetic location: 12q24.33.
Variant type: single nucleotide variant.
Coding change: c.1361C>T on transcript NM_006231.4 (MANE Select); coding-DNA position 1361, C replaced by T.
Protein change: p.Thr454Ile; replaces threonine 454 with isoleucine.
Molecular consequence: missense variant.
Genome position (GRCh38, 1-based): chr12:132,673,276, G>A on the plus strand (C>T on the coding strand, the complement: POLE is on the minus strand). VCF-style: chr12-132673276-G-A. GRCh37 (hg19) VCF-style: chr12-133249862-G-A.
Other names: short protein forms T454I.
Identifiers: ClinVar variation 1770842 (VCV001770842.3), dbSNP rs2135997109, ClinGen allele CA387358867.

ClinVar aggregate classification (germline): Uncertain significance (1 of 4 stars; one submission).

Conditions:
Hereditary cancer-predisposing syndrome. Also called: Hereditary Cancer Syndrome; Hereditary neoplastic syndrome; Neoplastic Syndromes, Hereditary; Tumor predisposition. Identifiers: Orphanet 140162, MedGen C0027672, MeSH D009386, MONDO:0015356.

Submission:

Ambry Genetics
Classification: Uncertain significance for Hereditary cancer-predisposing syndrome. Last evaluated: 2025-07-18. Review status: criteria provided, single submitter. Criteria: Ambry Variant Classification Scheme 2023. Collection method: clinical testing. Allele origin: germline.
Comment: The p.T454I variant (also known as c.1361C>T), located in coding exon 14 of the POLE gene, results from a C to T substitution at nucleotide position 1361. The threonine at codon 454 is replaced by isoleucine, an amino acid with similar properties. This amino acid position is highly conserved in available vertebrate species. In addition, the in silico prediction for this alteration is inconclusive. Since supporting evidence is limited at this time, the clinical significance of this alteration remains unclear.